The following is an entry in ClinVar:

NC_000002.12:g.(?_47783234)_(47791133_?)del

Gene: MSH6 (mutS homolog 6; plus strand). Cytogenetic location: 2p16.3.
Variant type: Deletion.
Identifiers: ClinVar variation 832756 (VCV000832756.2).

ClinVar aggregate classification (germline): Pathogenic (1 of 4 stars; one submission).

Conditions:
Hereditary nonpolyposis colorectal neoplasms. Identifiers: MedGen C0009405, MeSH D003123.

Submission:

Labcorp Genetics (formerly Invitae), Labcorp
Classification: Pathogenic for Hereditary nonpolyposis colorectal neoplasms. Last evaluated: 2022-09-02. Review status: criteria provided, single submitter. Criteria: Invitae Variant Classification Sherloc (09022015). Collection method: clinical testing. Allele origin: germline.
Comment: This variant is a gross deletion of the genomic region encompassing exon(s) 1-2 of the MSH6 gene, which includes the initiator codon. This deletion extends beyond the assayed region for this gene and therefore may encompass additional genes. It is expected to result in an absent or disrupted protein product. Loss-of-function variants in MSH6 are known to be pathogenic (PMID: 18269114, 24362816). A similar copy number variant has been observed in individual(s) with Lynch syndrome (PMID: 15942939, 17117178, 20591884, 22691310). For these reasons, this variant has been classified as Pathogenic.

Literature cited by the submitters: PubMed 18269114; PubMed 24362816; PubMed 15942939; PubMed 17117178; PubMed 20591884; PubMed 22691310.